The following is an entry in ClinVar:

NM_001271938.2(MEGF8):c.7732G>A (p.Val2578Met)

Gene: MEGF8 (multiple EGF like domains 8; plus strand). Cytogenetic location: 19q13.2.
Variant type: single nucleotide variant.
Coding change: c.7732G>A on transcript NM_001271938.2 (MANE Select); coding-DNA position 7732, G replaced by A.
Protein change: p.Val2578Met; replaces valine 2578 with methionine.
Molecular consequence: missense variant.
Genome position (GRCh38, 1-based): chr19:42,375,969, G>A. VCF-style: chr19-42375969-G-A. GRCh37 (hg19) VCF-style: chr19-42880121-G-A.
Other names: c.7531G>A, p.Val2511Met (NM_001410.3); c.7531G>A (NM_001410.2); short protein forms V2578M, V2511M.
Identifiers: ClinVar variation 1923918 (VCV001923918.6), dbSNP rs778897649, ClinGen allele CA9476248.
Genomic context (GRCh38, chr19:42,375,969, plus strand): 5'-CCGGGCGCCCCAGCAGAGCCACGGGTACGGGAGGTATGGCCGCGGGGCCTGATTACCTAC[G>A]TGACGGTGACGGAGCCGTCGGCAGTGCTGGTGGTCCGCGGCGTGCGGGACCGGCTGGTCA-3'
Protein context (NP_001258867.1, residues 2568-2588): EVWPRGLITY[Val2578Met]TVTEPSAVLV

ClinVar aggregate classification (germline): Uncertain significance. Review status: criteria provided, multiple submitters, no conflicts (2 of 4 stars). 2 submissions from 2 submitters: Uncertain significance (2). Last evaluated 2025-06-07.

Conditions:
Inborn genetic diseases. Identifiers: MedGen C0950123, MeSH D030342.
MEGF8-related Carpenter syndrome. Also called: Carpenter syndrome 2. Identifiers: Orphanet 65759, MedGen C3554247, MONDO:0013998, OMIM 614976.

Allele frequency attached by ClinVar (database versions not stated): ExAC 0.00001; gnomAD 0.00001; TOPMed 0.00001.
gnomAD v4.1: 12 of 1,606,752 alleles (0.00075%); highest among the groups gnomAD compares: Admixed American, 0.0033%; no homozygotes.

Submissions (2):

Ambry Genetics
Classification: Uncertain significance for Inborn genetic diseases. Last evaluated: 2025-06-07. Review status: criteria provided, single submitter. Criteria: Ambry Variant Classification Scheme 2023. Collection method: clinical testing. Allele origin: germline.

Labcorp Genetics (formerly Invitae), Labcorp
Classification: Uncertain significance for MEGF8-related Carpenter syndrome. Last evaluated: 2022-08-25. Review status: criteria provided, single submitter. Criteria: Invitae Variant Classification Sherloc (09022015). Collection method: clinical testing. Allele origin: germline.
Comment: Algorithms developed to predict the effect of missense changes on protein structure and function are either unavailable or do not agree on the potential impact of this missense change (SIFT: "Deleterious"; PolyPhen-2: "Possibly Damaging"; Align-GVGD: "Class C0"). This variant has not been reported in the literature in individuals affected with MEGF8-related conditions. This variant is present in population databases (rs778897649, gnomAD 0.006%). This sequence change replaces valine, which is neutral and non-polar, with methionine, which is neutral and non-polar, at codon 2511 of the MEGF8 protein (p.Val2511Met). In summary, the available evidence is currently insufficient to determine the role of this variant in disease. Therefore, it has been classified as a Variant of Uncertain Significance.